The following is an entry in ClinVar:

ClinVar aggregate classification (germline): Uncertain significance (1 of 4 stars; one submission).

Submission:

GeneDx
Classification: Uncertain significance. Last evaluated: 2023-12-09. Review status: criteria provided, single submitter. Criteria: GeneDx Variant Classification Process June 2021. Collection method: clinical testing. Allele origin: germline. Affected: yes.
Comment: Has not been previously published as pathogenic or benign to our knowledge; Not observed at significant frequency in large population cohorts (gnomAD); In silico analysis supports a deleterious effect on splicing

NM_001291415.2(KDM6A):c.443+6T>G

Gene: KDM6A (lysine demethylase 6A; plus strand). Cytogenetic location: Xp11.3.
Variant type: single nucleotide variant.
Coding change: c.443+6T>G on transcript NM_001291415.2 (MANE Select); 6 bases into the intron after coding-DNA position 443, T replaced by G.
Molecular consequence: intron variant.
Genome position (GRCh38, 1-based): chrX:45,011,025, T>G. VCF-style: chrX-45011025-T-G. GRCh37 (hg19) VCF-style: chrX-44870270-T-G.
Other names: c.443+6T>G (NM_001419809.1, NM_001419810.1, NM_001419813.1 and 9 more transcripts); c.-190+6T>G (NM_001291421.2).
Identifiers: ClinVar variation 3253141 (VCV003253141.1), dbSNP rs2521644651.